The following is an entry in ClinVar:

NM_000059.4(BRCA2):c.426-391T>G

Gene: BRCA2 (BRCA2 DNA repair associated; plus strand). Cytogenetic location: 13q13.1.
Variant type: single nucleotide variant.
Coding change: c.426-391T>G on transcript NM_000059.4 (MANE Select); 391 bases into the intron before coding-DNA position 426, T replaced by G.
Molecular consequence: intron variant.
Genome position (GRCh38, 1-based): chr13:32,325,710, T>G. VCF-style: chr13-32325710-T-G. GRCh37 (hg19) VCF-style: chr13-32899847-T-G.
Other names: IVS 4-391T>G.
Identifiers: ClinVar variation 209647 (VCV000209647.1), dbSNP rs186248762, ClinGen allele CA276616.

ClinVar aggregate classification (germline): Benign (3 of 4 stars; one submission).

Conditions:
Breast-ovarian cancer, familial, susceptibility to, 2 (BROVCA2). Also called: BRCA2 Hereditary Breast and Ovarian Cancer. Identifiers: Orphanet 145, MedGen C2675520, MONDO:0012933, OMIM 612555. Disease mechanism: loss of function.

Allele frequency attached by ClinVar (database versions not stated): 1000 Genomes Project 0.00040; 1000 Genomes Project 30x 0.00047; gnomAD 0.00111 and 0.00122; TOPMed 0.00116.
gnomAD v4.1: 166 of 152,166 alleles (0.11%); highest among the groups gnomAD compares: African/African-American, 0.39%; no homozygotes.

Submission:

Evidence-based Network for the Interpretation of Germline Mutant Alleles (ENIGMA)
Classification: Benign for Breast-ovarian cancer, familial 2. Last evaluated: 2015-01-12. Review status: reviewed by expert panel. Criteria: ENIGMA BRCA1/2 Classification Criteria (2015). Collection method: curation. Allele origin: germline.
Comment: Class 1 not pathogenic based on frequency >1% in an outbred sampleset. Frequency 0.02439 (African), derived from 1000 genomes (2012-04-30).